The following is an entry in ClinVar:

ClinVar aggregate classification (germline): Uncertain significance. Review status: criteria provided, multiple submitters, no conflicts (2 of 4 stars). 11 submissions from 9 submitters: Uncertain significance (8). 3 of the submissions do not count toward it. Last evaluated 2024-10-07.

Conditions:
Usher syndrome type 2A. Also called: RETINAL DISEASE IN USHER SYNDROME TYPE IIA, MODIFIER OF; USHER SYNDROME, TYPE IIA. Identifiers: Orphanet 231178, Orphanet 886, MedGen C1848634, MONDO:0010169, OMIM 276901.
Retinitis pigmentosa 39 (RP39). Identifiers: Orphanet 791, MedGen C3151138, MONDO:0013436, OMIM 613809.
Retinal dystrophy. Also called: Inherited retinal dystrophy. Identifiers: Orphanet 71862, MedGen C0854723, MeSH D058499, MONDO:0019118, HP:0000556.
Retinitis pigmentosa (RP). Identifiers: Orphanet 791, MedGen C0035334, MeSH D012174, MONDO:0019200, OMIM 268000. Inheritance: Autosomal dominant, autosomal recessive and X linked inheritance.

Allele frequency attached by ClinVar (database versions not stated): gnomAD 0.00001; TOPMed 0.00001; ExAC 0.00003; gnomAD exomes 0.00004; 1000 Genomes Project 30x 0.00016; 1000 Genomes Project 0.00020.
gnomAD v4.1: 62 of 1,613,978 alleles (0.0038%); highest among the groups gnomAD compares: Middle Eastern, 0.05%; no homozygotes.

Submissions (11):

Blueprint Genetics
Classification: Uncertain significance. Last evaluated: 2024-10-07. Review status: criteria provided, single submitter. Criteria: ACMG Guidelines, 2015. Collection method: clinical testing. Allele origin: germline.

Labcorp Genetics (formerly Invitae), Labcorp
Classification: Uncertain significance. Last evaluated: 2024-09-03. Review status: criteria provided, single submitter. Criteria: Invitae Variant Classification Sherloc (09022015). Collection method: clinical testing. Allele origin: germline.
Comment: This sequence change replaces proline, which is neutral and non-polar, with leucine, which is neutral and non-polar, at codon 1059 of the USH2A protein (p.Pro1059Leu). This variant is present in population databases (rs547581739, gnomAD 0.02%). This missense change has been observed in individual(s) with Usher syndrome and/or retinitis pigmentosa (PMID: 15325563, 22952768, 31456290). ClinVar contains an entry for this variant (Variation ID: 552332). Invitae Evidence Modeling of protein sequence and biophysical properties (such as structural, functional, and spatial information, amino acid conservation, physicochemical variation, residue mobility, and thermodynamic stability) indicates that this missense variant is expected to disrupt USH2A protein function with a positive predictive value of 95%. In summary, the available evidence is currently insufficient to determine the role of this variant in disease. Therefore, it has been classified as a Variant of Uncertain Significance.

Genome-Nilou Lab
Classification: Uncertain significance for Retinitis pigmentosa 39. Last evaluated: 2023-11-04. Review status: criteria provided, single submitter. Criteria: ACMG Guidelines, 2015. Collection method: clinical testing. Allele origin: germline. Affected: no.

Genome-Nilou Lab
Classification: Uncertain significance for Usher syndrome type 2A. Last evaluated: 2023-11-04. Review status: criteria provided, single submitter. Criteria: ACMG Guidelines, 2015. Collection method: clinical testing. Allele origin: germline. Affected: no.

Institute of Human Genetics, Univ. Regensburg, Univ. Regensburg
Classification: Uncertain significance for Retinal dystrophy. Last evaluated: 2023-01-01. Review status: criteria provided, single submitter. Criteria: ACMG Guidelines, 2015. Collection method: clinical testing. Allele origin: germline. Affected: yes.

GeneDx
Classification: Uncertain significance. Last evaluated: 2020-04-21. Review status: criteria provided, single submitter. Criteria: GeneDx Variant Classification Process June 2021. Collection method: clinical testing. Allele origin: germline. Affected: yes.
Comment: Observed in patients with Usher syndrome or retinitis pigmentosa in published literature; however, no specific patient information was provided and Licastro et al. reported no second USH2A variant in the published patient (Seyedahmadi et al., 2004; Licastro et al., 2012); In silico analysis supports that this missense variant has a deleterious effect on protein structure/function; This variant is associated with the following publications: (PMID: 31456290, 20507924, 22952768, 15325563)

Illumina Laboratory Services, Illumina
Classification: Uncertain significance for Usher syndrome type 2A. Last evaluated: 2017-04-28. Review status: criteria provided, single submitter. Criteria: ICSL Variant Classification Criteria 13 December 2019. Collection method: clinical testing. Allele origin: germline.
Comment: This variant was observed as part of a predisposition screen in an ostensibly healthy population. A literature search was performed for the gene, cDNA change, and amino acid change (where applicable). Publications were found based on this search. However, the evidence from the literature, in combination with allele frequency data from public databases where available, was not sufficient to rule this variant in or out of causing disease. Therefore, this variant is classified as a variant of unknown significance.

Illumina Laboratory Services, Illumina
Classification: Uncertain significance for Retinitis pigmentosa. Last evaluated: 2017-04-28. Review status: criteria provided, single submitter. Criteria: ICSL Variant Classification Criteria 13 December 2019. Collection method: clinical testing. Allele origin: germline.
Comment: the same text as in the submission from Illumina Laboratory Services, Illumina above.

Natera, Inc.
Classification: Uncertain significance for Usher syndrome type 2A. Last evaluated: 2020-01-20. Review status: no assertion criteria provided. Collection method: clinical testing. Allele origin: germline. Not counted in ClinVar's aggregate classification.

Sharon lab, Hadassah-Hebrew University Medical Center
Classification: Likely pathogenic for Retinitis pigmentosa. Last evaluated: 2019-06-23. Review status: no assertion criteria provided. Collection method: research. Allele origin: inherited. Affected: yes. Not counted in ClinVar's aggregate classification.

Counsyl
Classification: Uncertain significance for Usher syndrome type 2A; Retinitis pigmentosa 39. Last evaluated: 2017-06-08. Review status: no assertion criteria provided. Collection method: clinical testing. Allele origin: unknown. Not counted in ClinVar's aggregate classification.

Literature cited by the submitters: PubMed 15325563 (cited by 4 submitters); PubMed 22952768 (cited by 3 submitters); PubMed 31456290 (cited by Labcorp Genetics (formerly Invitae), Labcorp and Institute of Human Genetics, Univ. Regensburg, Univ. Regensburg); PubMed 31964843 (cited by Institute of Human Genetics, Univ. Regensburg, Univ. Regensburg); PubMed 20507924 (cited by Illumina Laboratory Services, Illumina).

NM_206933.4(USH2A):c.3176C>T (p.Pro1059Leu)

Genes: USH2A (usherin; minus strand), USH2A-AS1 (USH2A antisense RNA 1; plus strand). Cytogenetic location: 1q41.
Variant type: single nucleotide variant.
Coding change: c.3176C>T on transcript NM_206933.4 (MANE Select); coding-DNA position 3176, C replaced by T.
Protein change: p.Pro1059Leu; replaces proline 1059 with leucine.
Molecular consequence: missense variant.
Genome position (GRCh38, 1-based): chr1:216,207,413, G>A on the plus strand (C>T on the coding strand, the complement: USH2A is on the minus strand). VCF-style: chr1-216207413-G-A. GRCh37 (hg19) VCF-style: chr1-216380755-G-A.
Other names: c.3176C>T, p.Pro1059Leu (NM_007123.6); short protein forms P1059L.
Identifiers: ClinVar variation 552332 (VCV000552332.19), dbSNP rs547581739, ClinGen allele CA1396060.